The following is an entry in ClinVar:

NM_018263.6(ASXL2):c.4299C>G (p.Val1433=)

Gene: ASXL2 (ASXL transcriptional regulator 2; minus strand). Cytogenetic location: 2p23.3.
Variant type: single nucleotide variant.
Coding change: c.4299C>G on transcript NM_018263.6 (MANE Select); coding-DNA position 4299, C replaced by G.
Protein change: p.Val1433=; no amino-acid change (valine 1433 retained).
Molecular consequence: synonymous variant.
Genome position (GRCh38, 1-based): chr2:25,742,038, G>C on the plus strand (C>G on the coding strand, the complement: ASXL2 is on the minus strand). VCF-style: chr2-25742038-G-C. GRCh37 (hg19) VCF-style: chr2-25964907-G-C.
Other names: c.4125C>G, p.Val1375= (NM_001369346.1); c.3519C>G, p.Val1173= (NM_001369347.1); c.4299C>G (NM_018263.4).
Identifiers: ClinVar variation 2906015 (VCV002906015.5), dbSNP rs371044436, ClinGen allele CA1557320.

ClinVar aggregate classification (germline): Likely benign. Review status: criteria provided, single submitter (1 of 4 stars). 2 submissions from 2 submitters: Likely benign (1). 1 of the submissions does not count toward it. Last evaluated 2022-11-08.

Conditions:
ASXL2-related disorder. Also called: ASXL2-related condition.

Allele frequency attached by ClinVar (database versions not stated): ESP Exome Variant Server 0.00024.
gnomAD v4.1: 199 of 1,611,556 alleles (0.012%); highest among the groups gnomAD compares: Non-Finnish European, 0.016%; no homozygotes.

Submissions (2):

Labcorp Genetics (formerly Invitae), Labcorp
Classification: Likely benign. Last evaluated: 2022-11-08. Review status: criteria provided, single submitter. Criteria: Invitae Variant Classification Sherloc (09022015). Collection method: clinical testing. Allele origin: germline.

PreventionGenetics, part of Exact Sciences
Classification: Likely benign for ASXL2-related condition. Last evaluated: 2019-04-02. Review status: no assertion criteria provided. Collection method: clinical testing. Allele origin: germline. Not counted in ClinVar's aggregate classification.
Comment: This variant is classified as likely benign based on ACMG/AMP sequence variant interpretation guidelines (Richards et al. 2015 PMID: 25741868, with internal and published modifications).